The following is an entry in ClinVar:

ClinVar aggregate classification (germline): Conflicting classifications of pathogenicity. Review status: criteria provided, conflicting classifications (1 of 4 stars). 14 submissions from 14 submitters: Uncertain significance (5); Likely benign (7). 2 of the submissions do not count toward it. Last evaluated 2026-01-13.

Conditions:
MYBPC3-related disorder. Also called: MYBPC3-related disorders; MYBPC3-related condition; MYBPC3-related disease.
Cardiovascular phenotype. Identifiers: MedGen CN230736.
Cardiomyopathy (CMYO). Also called: Cardiomyopathies. Identifiers: Orphanet 167848, MedGen C0878544, MONDO:0004994, HP:0001638. Inheritance: Various modes of inheritance.
Long QT syndrome (LQTS). Identifiers: MedGen C0023976, MeSH D008133, MONDO:0002442. Disease mechanism: loss of function. Inheritance: Various modes of inheritance.
Hypertrophic cardiomyopathy. Also called: HYPERTROPHIC MYOCARDIOPATHY. Identifiers: Orphanet 217569, MedGen C0007194, MeSH D002312, MONDO:0005045, HP:0001639.

Allele frequency attached by ClinVar (database versions not stated): gnomAD 0.00001 and 0.00003; gnomAD exomes 0.00003; TOPMed 0.00003; ExAC 0.00004; ESP Exome Variant Server 0.00008.

Submissions (14):

Labcorp Genetics (formerly Invitae), Labcorp
Classification: Uncertain significance for Hypertrophic cardiomyopathy. Last evaluated: 2026-01-13. Review status: criteria provided, single submitter. Criteria: Invitae Variant Classification Sherloc (09022015). Collection method: clinical testing. Allele origin: germline.
Comment: This sequence change replaces serine, which is neutral and polar, with glycine, which is neutral and non-polar, at codon 50 of the MYBPC3 protein (p.Ser50Gly). This variant is present in population databases (rs373164247, gnomAD 0.005%). This missense change has been observed in individual(s) with hypertrophic cardiomyopathy and dilated cardiomyopathy (PMID: 27532257, 37652022). ClinVar contains an entry for this variant (Variation ID: 42538). An algorithm developed to predict the effect of missense changes on protein structure and function outputs the following: PolyPhen-2: "Benign". The glycine amino acid residue is found in multiple mammalian species, which suggests that this missense change does not adversely affect protein function. In summary, the available evidence is currently insufficient to determine the role of this variant in disease. Therefore, it has been classified as a Variant of Uncertain Significance.

CeGaT Center for Human Genetics Tuebingen
Classification: Likely benign. Last evaluated: 2026-01-01. Review status: criteria provided, single submitter. Criteria: CeGaT Center For Human Genetics Tuebingen Variant Classification Criteria Version 2. Collection method: clinical testing. Allele origin: germline. Affected: yes. Observed: 1 variant allele.
Comment: MYBPC3: BP4

PreventionGenetics, part of Exact Sciences
Classification: Uncertain significance for MYBPC3-related condition. Last evaluated: 2025-10-13. Review status: criteria provided, single submitter. Criteria: ACMG Guidelines, 2015. Collection method: clinical testing. Allele origin: germline.
Comment: The MYBPC3 c.148A>G variant is predicted to result in the amino acid substitution p.Ser50Gly. This variant has been reported as a variant of uncertain significance in individuals with dilated or hypertrophic cardiomyopathy (Tables S1A and S1B, Walsh et al. 2017. PubMed ID: 27532257; Table S8, McGurk et al. 2023. PubMed ID: 37652022). This variant is reported in 0.0037% of alleles in individuals of European (Non-Finnish) descent in gnomAD. At this time, the clinical significance of this variant is uncertain due to the absence of conclusive functional and genetic evidence.

Color Diagnostics, LLC DBA Color Health
Classification: Likely benign for Cardiomyopathy. Last evaluated: 2024-09-12. Review status: criteria provided, single submitter. Criteria: ACMG Guidelines, 2015. Collection method: clinical testing. Allele origin: germline.

Blueprint Genetics
Classification: Likely benign. Last evaluated: 2024-03-08. Review status: criteria provided, single submitter. Criteria: ACMG Guidelines, 2015. Collection method: clinical testing. Allele origin: germline.

Ambry Genetics
Classification: Likely benign for Cardiovascular phenotype. Last evaluated: 2024-01-18. Review status: criteria provided, single submitter. Criteria: Ambry Variant Classification Scheme 2023. Collection method: clinical testing. Allele origin: germline.

Dept of Medical Biology, Uskudar University
Classification: Uncertain significance for Long QT syndrome. Last evaluated: 2024-01-08. Review status: criteria provided, single submitter. Criteria: Dept of Medical Biology Variant Classification. Collection method: research. Allele origin: paternal. Affected: yes. Observed: 1 variant allele.
Comment: Criteria: PM2, BP4

All of Us Research Program, National Institutes of Health
Classification: Likely benign for Hypertrophic cardiomyopathy. Last evaluated: 2023-12-18. Review status: criteria provided, single submitter. Criteria: ACMG Guidelines, 2015. Collection method: clinical testing. Allele origin: germline. Inheritance: Autosomal dominant inheritance. Observed: 3 variant alleles, 3 heterozygotes.
Comment: This study involves interpretation of variants in research participants for the purpose of population health screening. Participant phenotype was not available at the time of variant classification. Additional details can be found in publication PMID: 35346344, PMCID: PMC8962531

GeneDx
Classification: Likely benign. Last evaluated: 2017-04-25. Review status: criteria provided, single submitter. Criteria: GeneDx Variant Classification (06012015). Collection method: clinical testing. Allele origin: germline. Affected: yes.
Comment: This variant is considered likely benign or benign based on one or more of the following criteria: it is a conservative change, it occurs at a poorly conserved position in the protein, it is predicted to be benign by multiple in silico algorithms, and/or has population frequency not consistent with disease.

CHEO Genetics Diagnostic Laboratory, Children's Hospital of Eastern Ontario
Classification: Uncertain significance for Cardiomyopathy. Last evaluated: 2015-11-18. Review status: criteria provided, single submitter. Criteria: ACMG Guidelines, 2015. Collection method: clinical testing. Allele origin: germline. Study: Canadian Open Genetics Repository.

Laboratory for Molecular Medicine, Mass General Brigham Personalized Medicine
Classification: Likely benign. Last evaluated: 2015-04-13. Review status: criteria provided, single submitter. Criteria: LMM Criteria. Collection method: clinical testing. Allele origin: germline. Observed: 3 variant alleles.
Comment: p.Ser50Gly in exon 2 of MYBPC3: This variant is not expected to have clinical si gnificance because the serine (Ser) residue at position 50 is not conserved in mammals or evolutionarily distant species and >10 mammals carry a glycine (Gly) at this position. In addition, this change was predicted to be benign using a co mputational tool clinically validated by our laboratory. This tool's benign pred iction is estimated to be correct 89% of the time (Jordan 2011). This variant ha s also been identified in 3/43654 European chromosomes by the Exome Aggregation Consortium (ExAC; dbSNP rs373164247).

Stanford Center for Inherited Cardiovascular Disease, Stanford University
Classification: Uncertain significance. Last evaluated: 2013-07-15. Review status: criteria provided, single submitter. Criteria: ACMG Guidelines, 2015. Collection method: provider interpretation. Allele origin: germline.

Genome Diagnostics Laboratory, University Medical Center Utrecht
Classification: Likely benign. Review status: no assertion criteria provided. Collection method: clinical testing. Allele origin: germline. Affected: yes. Study: VKGL Data-share Consensus. Not counted in ClinVar's aggregate classification.

Joint Genome Diagnostic Labs from Nijmegen and Maastricht, Radboudumc and MUMC+
Classification: Likely benign. Review status: no assertion criteria provided. Collection method: clinical testing. Allele origin: germline. Affected: yes. Study: VKGL Data-share Consensus. Not counted in ClinVar's aggregate classification.

Literature cited by the submitters: PubMed 27532257 (cited by Labcorp Genetics (formerly Invitae), Labcorp and Ambry Genetics); PubMed 37652022 (cited by Labcorp Genetics (formerly Invitae), Labcorp); PubMed 24503780 (cited by Ambry Genetics).

NM_000256.3(MYBPC3):c.148A>G (p.Ser50Gly)

Gene: MYBPC3 (myosin binding protein C3; minus strand). Cytogenetic location: 11p11.2.
Variant type: single nucleotide variant.
Coding change: c.148A>G on transcript NM_000256.3 (MANE Select); coding-DNA position 148, A replaced by G.
Protein change: p.Ser50Gly; replaces serine 50 with glycine.
Molecular consequence: missense variant.
Genome position (GRCh38, 1-based): chr11:47,351,383, T>C on the plus strand (A>G on the coding strand, the complement: MYBPC3 is on the minus strand). VCF-style: chr11-47351383-T-C. GRCh37 (hg19) VCF-style: chr11-47372934-T-C.
Other names: p.S50G:AGC>GGC; short protein forms S50G.
Identifiers: ClinVar variation 42538 (VCV000042538.32), dbSNP rs373164247, ClinGen allele CA010476.